The following is an entry in ClinVar:

NM_016284.5(CNOT1):c.668_669inv (p.Leu223Arg)

Gene: CNOT1 (CCR4-NOT transcription complex subunit 1; minus strand). Cytogenetic location: 16q21.
Variant type: Inversion.
Coding change: c.668_669inv on transcript NM_016284.5 (MANE Select).
Protein change: p.Leu223Arg; replaces leucine 223 with arginine.
Molecular consequence: missense variant. On other transcripts: non-coding transcript variant (1).
Genome position: GRCh38 VCF-style: chr16-58585475-GA-TC. GRCh37 (hg19) VCF-style: chr16-58619379-GA-TC.
Other names: c.668_669inv, p.Leu223Arg (NM_001265612.2, NM_206999.3); short protein forms L223R.
Identifiers: ClinVar variation 2664978 (VCV002664978.2), ClinGen allele CA2695197658.

ClinVar aggregate classification (germline): Uncertain significance (1 of 4 stars; one submission).

Conditions:
Vissers-Bodmer syndrome. Identifiers: MedGen C5436647, MONDO:0033618, OMIM 619033.

Submission:

Institute of Human Genetics, University of Leipzig Medical Center
Classification: Uncertain significance for Vissers-Bodmer syndrome. Last evaluated: 2023-11-23. Review status: criteria provided, single submitter. Criteria: ACMG Guidelines, 2015. Collection method: clinical testing. Allele origin: unknown. Inheritance: Autosomal dominant inheritance. Affected: yes.
Comment: Criteria applied: PM2_SUP,PP2, PP3